The following is an entry in ClinVar:

NM_015459.5(ATL3):c.1108G>T (p.Val370Phe)

Genes: ATL3 (atlastin GTPase 3; minus strand), LNCROPM (lncRNA regulator of PLAAT3 mediated phospholipid metabolism; plus strand), LOC126861231 (CDK7 strongly-dependent group 2 enhancer GRCh37_chr11:63398741-63399940; plus strand). Cytogenetic location: 11q13.1.
Variant type: single nucleotide variant.
Coding change: c.1108G>T on transcript NM_015459.5 (MANE Select); coding-DNA position 1108, G replaced by T.
Protein change: p.Val370Phe; replaces valine 370 with phenylalanine.
Molecular consequence: missense variant.
Genome position (GRCh38, 1-based): chr11:63,631,471, C>A on the plus strand (G>T on the coding strand, the complement: ATL3 is on the minus strand). VCF-style: chr11-63631471-C-A. GRCh37 (hg19) VCF-style: chr11-63398943-C-A.
Other names: c.1054G>T, p.Val352Phe (NM_001290048.2); short protein forms V352F, V370F.
Identifiers: ClinVar variation 1509277 (VCV001509277.8), dbSNP rs199522335, ClinGen allele CA6063578.

ClinVar aggregate classification (germline): Conflicting classifications of pathogenicity. Review status: criteria provided, conflicting classifications (1 of 4 stars). 2 submissions from 2 submitters: Uncertain significance (1); Likely benign (1). Last evaluated 2025-09-02.

Conditions:
Neuropathy, hereditary sensory, type 1F. Also called: HSN IF; Hereditary sensory neuropathy type IF. Identifiers: Orphanet 36386, MedGen C3810194, MONDO:0014286, OMIM 615632.
Inborn genetic diseases. Identifiers: MedGen C0950123, MeSH D030342.

Allele frequency attached by ClinVar (database versions not stated): gnomAD exomes 0.00002 and 0.00003; ExAC 0.00003; gnomAD 0.00011; TOPMed 0.00017; 1000 Genomes Project 0.00040; 1000 Genomes Project 30x 0.00047.
gnomAD v4.1: 44 of 1,586,802 alleles (0.0028%); highest among the groups gnomAD compares: African/African-American, 0.041%; no homozygotes.

Submissions (2):

Labcorp Genetics (formerly Invitae), Labcorp
Classification: Uncertain significance for Neuropathy, hereditary sensory, type 1F. Last evaluated: 2025-09-02. Review status: criteria provided, single submitter. Criteria: Invitae Variant Classification Sherloc (09022015). Collection method: clinical testing. Allele origin: germline.
Comment: This sequence change replaces valine, which is neutral and non-polar, with phenylalanine, which is neutral and non-polar, at codon 370 of the ATL3 protein (p.Val370Phe). This variant is present in population databases (rs199522335, gnomAD 0.05%), and has an allele count higher than expected for a pathogenic variant. This variant has not been reported in the literature in individuals affected with ATL3-related conditions. ClinVar contains an entry for this variant (Variation ID: 1509277). An algorithm developed to predict the effect of missense changes on protein structure and function (PolyPhen-2) suggests that this variant is likely to be tolerated. In summary, the available evidence is currently insufficient to determine the role of this variant in disease. Therefore, it has been classified as a Variant of Uncertain Significance.

Ambry Genetics
Classification: Likely benign for Inborn genetic diseases. Last evaluated: 2021-08-09. Review status: criteria provided, single submitter. Criteria: Ambry Variant Classification Scheme 2023. Collection method: clinical testing. Allele origin: germline.